The following is an entry in ClinVar:

ClinVar aggregate classification (germline): Uncertain significance (1 of 4 stars; one submission).

Submission:

GeneDx
Classification: Uncertain significance. Last evaluated: 2019-10-04. Review status: criteria provided, single submitter. Criteria: GeneDx Variant Classification Process June 2021. Collection method: clinical testing. Allele origin: germline. Affected: yes.
Comment: Not observed in large population cohorts (Lek et al., 2016); In silico analysis, which includes protein predictors and evolutionary conservation, supports a deleterious effect; Has not been previously published as pathogenic or benign to our knowledge

NM_183357.3(ADCY5):c.3099G>T (p.Gln1033His)

Gene: ADCY5 (adenylate cyclase 5; minus strand). Cytogenetic location: 3q21.1.
Variant type: single nucleotide variant.
Coding change: c.3099G>T on transcript NM_183357.3 (MANE Select); coding-DNA position 3099, G replaced by T.
Protein change: p.Gln1033His; replaces glutamine 1033 with histidine.
Molecular consequence: missense variant.
Genome position (GRCh38, 1-based): chr3:123,291,341, C>A on the plus strand (G>T on the coding strand, the complement: ADCY5 is on the minus strand). VCF-style: chr3-123291341-C-A. GRCh37 (hg19) VCF-style: chr3-123010188-C-A.
Other names: c.2049G>T, p.Gln683His (NM_001199642.1); c.3174G>T, p.Gln1058His (NM_001378259.1); short protein forms Q1033H, Q1058H, Q683H.
Identifiers: ClinVar variation 1309213 (VCV001309213.2), dbSNP rs2108195192, ClinGen allele CA354223815.